The following is an entry in ClinVar:

NM_002633.3(PGM1):c.246G>A (p.Gly82=)

Genes: PGM1 (phosphoglucomutase 1; plus strand), LOC129930669 (ATAC-STARR-seq lymphoblastoid silent region 951; plus strand). Cytogenetic location: 1p31.3.
Variant type: single nucleotide variant.
Coding change: c.246G>A on transcript NM_002633.3 (MANE Select); coding-DNA position 246, G replaced by A.
Protein change: p.Gly82=; no amino-acid change (glycine 82 retained).
Molecular consequence: synonymous variant.
Genome position (GRCh38, 1-based): chr1:63,593,734, G>A. VCF-style: chr1-63593734-G-A. GRCh37 (hg19) VCF-style: chr1-64059405-G-A.
Identifiers: ClinVar variation 2160644 (VCV002160644.4), dbSNP rs899829580, ClinGen allele CA23820780.

ClinVar aggregate classification (germline): Uncertain significance (1 of 4 stars; one submission).

Conditions:
PGM1-congenital disorder of glycosylation. Also called: GLYCOGEN STORAGE DISEASE XIV; GSD XIV; PHOSPHOGLUCOMUTASE 1 DEFICIENCY; PGM1 DEFICIENCY; CDG It; Congenital disorder of glycosylation type 1t. Identifiers: Orphanet 319646, MedGen C2752015, MONDO:0013968, OMIM 614921.

Allele frequency attached by ClinVar (database versions not stated): gnomAD exomes 0.00001; gnomAD 0.00003; TOPMed 0.00004.
gnomAD v4.1: 7 of 1,592,738 alleles (0.00044%); highest among the groups gnomAD compares: African/African-American, 0.0054%; no homozygotes.

Submission:

Labcorp Genetics (formerly Invitae), Labcorp
Classification: Uncertain significance for PGM1-congenital disorder of glycosylation. Last evaluated: 2022-10-31. Review status: criteria provided, single submitter. Criteria: Invitae Variant Classification Sherloc (09022015). Collection method: clinical testing. Allele origin: germline.
Comment: This sequence change affects codon 82 of the PGM1 mRNA. It is a 'silent' change, meaning that it does not change the encoded amino acid sequence of the PGM1 protein. This variant also falls at the last nucleotide of exon 1, which is part of the consensus splice site for this exon. The frequency data for this variant in the population databases is considered unreliable, as metrics indicate poor data quality at this position in the gnomAD database. This variant has not been reported in the literature in individuals affected with PGM1-related conditions. Variants that disrupt the consensus splice site are a relatively common cause of aberrant splicing (PMID: 17576681, 9536098). Algorithms developed to predict the effect of sequence changes on RNA splicing suggest that this variant is not likely to affect RNA splicing. In summary, the available evidence is currently insufficient to determine the role of this variant in disease. Therefore, it has been classified as a Variant of Uncertain Significance.

Literature cited by the submitters: PubMed 17576681; PubMed 9536098.